The following is an entry in ClinVar:

ClinVar aggregate classification (germline): Uncertain significance (1 of 4 stars; one submission).

Submission:

Labcorp Genetics (formerly Invitae), Labcorp
Classification: Uncertain significance. Last evaluated: 2023-10-03. Review status: criteria provided, single submitter. Criteria: Invitae Variant Classification Sherloc (09022015). Collection method: clinical testing. Allele origin: germline.
Comment: This sequence change replaces methionine, which is neutral and non-polar, with leucine, which is neutral and non-polar, at codon 724 of the CTNNA1 protein (p.Met724Leu). This variant is not present in population databases (gnomAD no frequency). This variant has not been reported in the literature in individuals affected with CTNNA1-related conditions. Advanced modeling of protein sequence and biophysical properties (such as structural, functional, and spatial information, amino acid conservation, physicochemical variation, residue mobility, and thermodynamic stability) performed at Invitae indicates that this missense variant is not expected to disrupt CTNNA1 protein function. In summary, the available evidence is currently insufficient to determine the role of this variant in disease. Therefore, it has been classified as a Variant of Uncertain Significance.

NM_001903.5(CTNNA1):c.2170A>T (p.Met724Leu)

Gene: CTNNA1 (catenin alpha 1; plus strand). Cytogenetic location: 5q31.2.
Variant type: single nucleotide variant.
Coding change: c.2170A>T on transcript NM_001903.5 (MANE Select); coding-DNA position 2170, A replaced by T.
Protein change: p.Met724Leu; replaces methionine 724 with leucine.
Molecular consequence: missense variant.
Genome position (GRCh38, 1-based): chr5:138,930,632, A>T. VCF-style: chr5-138930632-A-T. GRCh37 (hg19) VCF-style: chr5-138266321-A-T.
Other names: c.1060A>T, p.Met354Leu (NM_001323997.1, NM_001323998.1, NM_001323999.1 and 17 more transcripts); c.721A>T, p.Met241Leu (NM_001324006.1, NM_001324007.1, NM_001324008.1 and 2 more transcripts); c.967A>T, p.Met323Leu (NM_001324011.1); c.817A>T, p.Met273Leu (NM_001324012.1, NM_001324013.1); c.2170A>T, p.Met724Leu (NM_001290307.3, NM_001323982.2, NM_001323983.1 and 2 more transcripts); c.1861A>T, p.Met621Leu (NM_001290309.3); c.1801A>T, p.Met601Leu (NM_001290310.3); c.2077A>T, p.Met693Leu (NM_001323986.2); short protein forms M241L, M323L, M621L, M354L, M693L, M601L, M273L, M724L.
Identifiers: ClinVar variation 2764811 (VCV002764811.3), dbSNP rs2533851282, ClinGen allele CA361133677.